The following is an entry in ClinVar:

NM_000350.3(ABCA4):c.4706T>C (p.Val1569Ala)

Genes: ABCA4 (ATP binding cassette subfamily A member 4; minus strand), LOC126805793 (CDK7 strongly-dependent group 2 enhancer GRCh37_chr1:94486302-94487501; plus strand). Cytogenetic location: 1p22.1.
Variant type: single nucleotide variant.
Coding change: c.4706T>C on transcript NM_000350.3 (MANE Select); coding-DNA position 4706, T replaced by C.
Protein change: p.Val1569Ala; replaces valine 1569 with alanine.
Molecular consequence: missense variant.
Genome position (GRCh38, 1-based): chr1:94,021,913, A>G on the plus strand (T>C on the coding strand, the complement: ABCA4 is on the minus strand). VCF-style: chr1-94021913-A-G. GRCh37 (hg19) VCF-style: chr1-94487469-A-G.
Other names: c.4484T>C, p.Val1495Ala (NM_001425324.1); short protein forms V1569A, V1495A.
Identifiers: ClinVar variation 1051509 (VCV001051509.9), dbSNP rs2101024163, ClinGen allele CA341283971.
Genomic context (GRCh38, chr1:94,021,913, plus strand): 5'-ACATTCATGATCCGGCCAAGGTCGCTTAAAAACCCAACAAGTGCTTCCCCCGTGATGGGG[A>G]CGACTGGGAGCTTTCCTCCAATGGAAATTCCTCCATACCTGACAAGGAAACAGGAAATCC-3'
Protein context (NP_000341.2, residues 1559-1579): GISIGGKLPV[Val1569Ala]PITGEALVGF

ClinVar aggregate classification (germline): Uncertain significance (1 of 4 stars; one submission).

Submission:

Labcorp Genetics (formerly Invitae), Labcorp
Classification: Uncertain significance. Last evaluated: 2025-10-01. Review status: criteria provided, single submitter. Criteria: Invitae Variant Classification Sherloc (09022015). Collection method: clinical testing. Allele origin: germline.
Comment: This sequence change replaces valine, which is neutral and non-polar, with alanine, which is neutral and non-polar, at codon 1569 of the ABCA4 protein (p.Val1569Ala). This variant is not present in population databases (gnomAD no frequency). This variant has not been reported in the literature in individuals affected with ABCA4-related conditions. ClinVar contains an entry for this variant (Variation ID: 1051509). Invitae Evidence Modeling of protein sequence and biophysical properties (such as structural, functional, and spatial information, amino acid conservation, physicochemical variation, residue mobility, and thermodynamic stability) indicates that this missense variant is not expected to disrupt ABCA4 protein function with a negative predictive value of 95%. In summary, the available evidence is currently insufficient to determine the role of this variant in disease. Therefore, it has been classified as a Variant of Uncertain Significance.